The following is an entry in ClinVar:

NM_003560.4(PLA2G6):c.1888G>T (p.Val630Leu)

Gene: PLA2G6 (phospholipase A2 group VI; minus strand). Cytogenetic location: 22q13.1.
Variant type: single nucleotide variant.
Coding change: c.1888G>T on transcript NM_003560.4 (MANE Select); coding-DNA position 1888, G replaced by T.
Protein change: p.Val630Leu; replaces valine 630 with leucine.
Molecular consequence: missense variant.
Genome position (GRCh38, 1-based): chr22:38,115,673, C>A on the plus strand (G>T on the coding strand, the complement: PLA2G6 is on the minus strand). VCF-style: chr22-38115673-C-A. GRCh37 (hg19) VCF-style: chr22-38511680-C-A.
Other names: c.1888G>T, p.Val630Leu (NM_001349864.2); c.1726G>T, p.Val576Leu (NM_001004426.3, NM_001199562.3, NM_001349865.2 and 1 more transcripts); c.1354G>T, p.Val452Leu (NM_001349867.2); c.1210G>T, p.Val404Leu (NM_001349868.2); c.1192G>T, p.Val398Leu (NM_001349869.2); short protein forms V398L, V404L, V452L, V576L, V630L.
Identifiers: ClinVar variation 1305087 (VCV001305087.6), dbSNP rs1375695546, ClinGen allele CA411524871.

ClinVar aggregate classification (germline): Uncertain significance. Review status: criteria provided, multiple submitters, no conflicts (2 of 4 stars). 2 submissions from 2 submitters: Uncertain significance (2). Last evaluated 2022-04-01.

Conditions:
Infantile neuroaxonal dystrophy (NBIA2A). Also called: NEURODEGENERATION WITH BRAIN IRON ACCUMULATION 2A; SEITELBERGER DISEASE; Infantile neuroaxonal dystrophy 1. Identifiers: Orphanet 35069, MedGen C0270724, MONDO:0024457, OMIM 256600.

Submissions (2):

Labcorp Genetics (formerly Invitae), Labcorp
Classification: Uncertain significance for Infantile neuroaxonal dystrophy. Last evaluated: 2022-04-01. Review status: criteria provided, single submitter. Criteria: Invitae Variant Classification Sherloc (09022015). Collection method: clinical testing. Allele origin: germline.
Comment: This variant has not been reported in the literature in individuals affected with PLA2G6-related conditions. This sequence change replaces valine, which is neutral and non-polar, with leucine, which is neutral and non-polar, at codon 630 of the PLA2G6 protein (p.Val630Leu). This variant is not present in population databases (gnomAD no frequency). ClinVar contains an entry for this variant (Variation ID: 1305087). Advanced modeling of protein sequence and biophysical properties (such as structural, functional, and spatial information, amino acid conservation, physicochemical variation, residue mobility, and thermodynamic stability) performed at Invitae indicates that this missense variant is expected to disrupt PLA2G6 protein function. In summary, the available evidence is currently insufficient to determine the role of this variant in disease. Therefore, it has been classified as a Variant of Uncertain Significance.

GeneDx
Classification: Uncertain significance. Last evaluated: 2020-02-12. Review status: criteria provided, single submitter. Criteria: GeneDx Variant Classification Process June 2021. Collection method: clinical testing. Allele origin: germline. Affected: yes.
Comment: Not observed in large population cohorts (Lek et al., 2016); In silico analysis supports that this missense variant does not alter protein structure/function; Has not been previously published as pathogenic or benign to our knowledge